The following is an entry in ClinVar:

NM_015981.4(CAMK2A):c.701C>G (p.Ser234Trp)

Gene: CAMK2A (calcium/calmodulin dependent protein kinase II alpha; minus strand). Cytogenetic location: 5q32.
Variant type: single nucleotide variant.
Coding change: c.701C>G on transcript NM_015981.4 (MANE Select); coding-DNA position 701, C replaced by G.
Protein change: p.Ser234Trp; replaces serine 234 with tryptophan.
Molecular consequence: missense variant.
Genome position (GRCh38, 1-based): chr5:150,250,803, G>C on the plus strand (C>G on the coding strand, the complement: CAMK2A is on the minus strand). VCF-style: chr5-150250803-G-C. GRCh37 (hg19) VCF-style: chr5-149630366-G-C.
Other names: c.701C>G, p.Ser234Trp (NM_001363989.1, NM_001363990.1, NM_001369025.2 and 1 more transcripts); short protein forms S234W.
Identifiers: ClinVar variation 1205808 (VCV001205808.3), dbSNP rs1160671001, ClinGen allele CA361749739.
Genomic context (GRCh38, chr5:150,250,803, plus strand): 5'-ATGGTCAGCATCTTATTGATCAGATCCTTGGCTTCCGGGGTGACAGTGTCCCATTCCGGC[G>C]ATGGGAACTGGAAGGGGCAGAGAGGCCAGGTTTGCCCAGCCTGCCCCAGGCCACCCCTGC-3'
Protein context (NP_057065.2, residues 224-244): QIKAGAYDFP[Ser234Trp]PEWDTVTPEA

ClinVar aggregate classification (germline): Uncertain significance (1 of 4 stars; one submission).

Submission:

GeneDx
Classification: Uncertain significance. Last evaluated: 2020-03-07. Review status: criteria provided, single submitter. Criteria: GeneDx Variant Classification Process June 2021. Collection method: clinical testing. Allele origin: germline. Affected: yes.
Comment: Not observed in large population cohorts (Lek et al., 2016); In silico analysis supports that this missense variant has a deleterious effect on protein structure/function; Has not been previously published as pathogenic or benign to our knowledge